The following is an entry in ClinVar:

ClinVar aggregate classification (germline): Likely benign (1 of 4 stars; one submission).

Submission:

CeGaT Center for Human Genetics Tuebingen
Classification: Likely benign. Last evaluated: 2024-07-01. Review status: criteria provided, single submitter. Criteria: CeGaT Center For Human Genetics Tuebingen Variant Classification Criteria Version 2. Collection method: clinical testing. Allele origin: germline. Affected: yes. Observed: 1 variant allele.
Comment: SMG8: BP4, BP7

NM_018149.7(SMG8):c.1524C>T (p.His508=)

Gene: SMG8 (SMG8 nonsense mediated mRNA decay factor; plus strand). Cytogenetic location: 17q22.
Variant type: single nucleotide variant.
Coding change: c.1524C>T on transcript NM_018149.7 (MANE Select); coding-DNA position 1524, C replaced by T.
Protein change: p.His508=; no amino-acid change (histidine 508 retained).
Molecular consequence: synonymous variant.
Genome position (GRCh38, 1-based): chr17:59,211,575, C>T. VCF-style: chr17-59211575-C-T. GRCh37 (hg19) VCF-style: chr17-57288936-C-T.
Identifiers: ClinVar variation 3257688 (VCV003257688.17).
Genomic context (GRCh38, chr17:59,211,575, plus strand): 5'-TTTGGATATTGACACAAAATTCTCAGAAAACCGATGCCAAAAAGCTTTACCCATGGCCCA[C>T]AGTGCCTACCAGTCAAATTTGCCTCATAATTACACAATGACTGTCCATAAGAATCAGCTT-3'
Protein context (NP_060619.4, residues 498-518): NRCQKALPMA[His508=]SAYQSNLPHN